The following is an entry in ClinVar:

NM_015047.3(EMC1):c.2376+2del

Genes: EMC1 (ER membrane protein complex subunit 1; minus strand), EMC1-AS1 (EMC1 antisense RNA 1; plus strand). Cytogenetic location: 1p36.13.
Variant type: Deletion.
Coding change: c.2376+2del on transcript NM_015047.3 (MANE Select); the canonical splice donor site of the intron after coding-DNA position 2376, one base deleted (T; older notation c.2376+2delT).
Molecular consequence: splice donor variant.
Genome position (GRCh38, 1-based): chr1:19,223,394, A deleted on the plus strand (T on the coding strand, the reverse complement: EMC1 is on the minus strand). VCF-style (leftmost placement, unchanged base first): chr1-19223393-TA-T. GRCh37 (hg19) VCF-style: chr1-19549887-TA-T.
Other names: c.2310+2del (NM_001271429.2); c.2373+2del (NM_001271427.2, NM_001271428.2); c.2382+2del (NM_001375821.1); c.2385+2del (NM_001375820.1).
Identifiers: ClinVar variation 4779344 (VCV004779344.2).

ClinVar aggregate classification (germline): Conflicting classifications of pathogenicity. Review status: criteria provided, conflicting classifications (1 of 4 stars). 2 submissions from 2 submitters: Likely pathogenic (1); Uncertain significance (1). Last evaluated 2025-08-10.

Submissions (2):

Labcorp Genetics (formerly Invitae), Labcorp
Classification: Likely pathogenic. Last evaluated: 2025-08-10. Review status: criteria provided, single submitter. Criteria: Invitae Variant Classification Sherloc (09022015). Collection method: clinical testing. Allele origin: germline.
Comment: This sequence change affects a splice site in intron 19 of the EMC1 gene. It is expected to disrupt RNA splicing. Variants that disrupt the donor or acceptor splice site typically lead to a loss of protein function (PMID: 16199547), and loss-of-function variants in EMC1 are known to be pathogenic (PMID: 26572623, 26942288, 29271071). This variant is present in population databases (no rsID available, gnomAD 0.0009%). This variant has not been reported in the literature in individuals affected with EMC1-related conditions. Algorithms developed to predict the effect of sequence changes on RNA splicing suggest that this variant may disrupt the consensus splice site. In summary, the currently available evidence indicates that the variant is pathogenic, but additional data are needed to prove that conclusively. Therefore, this variant has been classified as Likely Pathogenic.

Blueprint Genetics
Classification: Uncertain significance. Last evaluated: 2019-10-28. Review status: criteria provided, single submitter. Criteria: ACMG Guidelines, 2015. Collection method: clinical testing. Allele origin: germline.

Literature cited by the submitters: PubMed 16199547 (cited by Labcorp Genetics (formerly Invitae), Labcorp); PubMed 26572623 (cited by Labcorp Genetics (formerly Invitae), Labcorp); PubMed 26942288 (cited by Labcorp Genetics (formerly Invitae), Labcorp); PubMed 29271071 (cited by Labcorp Genetics (formerly Invitae), Labcorp).